The following is an entry in ClinVar:

ClinVar aggregate classification (germline): Likely benign (1 of 4 stars; one submission).

Submission:

Mayo Clinic Laboratories, Mayo Clinic
Classification: Likely benign. Last evaluated: 2025-03-14. Review status: criteria provided, single submitter. Criteria: ACMG Guidelines, 2015. Collection method: clinical testing. Allele origin: germline. Observed: 2 variant alleles.
Comment: BP4, BP7, PM2_supporting

NM_014009.4(FOXP3):c.454+8_454+10del

Gene: FOXP3 (forkhead box P3; minus strand). Cytogenetic location: Xp11.23.
Variant type: Deletion.
Coding change: c.454+8_454+10del on transcript NM_014009.4 (MANE Select); bases 8 to 10 of the intron after coding-DNA position 454, 3 bases deleted (CTC; older notation c.454+8_454+10delCTC).
Molecular consequence: intron variant.
Genome position (GRCh38, 1-based): chrX:49,257,417-49,257,419, GAG deleted on the plus strand (CTC on the coding strand, the reverse complement: FOXP3 is on the minus strand); deleting any 3 consecutive bases within chrX:49,257,417-49,257,420 gives the same sequence; the c. name uses the placement nearest the transcript's 3' end. VCF-style (leftmost placement, unchanged base first): chrX-49257416-TGAG-T. GRCh37 (hg19) VCF-style: chrX-49113873-TGAG-T.
Other names: p.?; c.349+8_349+10del (NM_001114377.2).
Identifiers: ClinVar variation 4684519 (VCV004684519.1).